The following is an entry in ClinVar:

NM_000260.4(MYO7A):c.1634A>G (p.His545Arg)

Gene: MYO7A (myosin VIIA; plus strand). Cytogenetic location: 11q13.5.
Variant type: single nucleotide variant.
Coding change: c.1634A>G on transcript NM_000260.4 (MANE Select); coding-DNA position 1634, A replaced by G.
Protein change: p.His545Arg; replaces histidine 545 with arginine.
Molecular consequence: missense variant.
Genome position (GRCh38, 1-based): chr11:77,162,932, A>G. VCF-style: chr11-77162932-A-G. GRCh37 (hg19) VCF-style: chr11-76873978-A-G.
Other names: c.1634A>G, p.His545Arg (NM_001127180.2); c.1601A>G, p.His534Arg (NM_001369365.1); c.1634A>G (NM_000260.3); short protein forms H545R, H534R.
Identifiers: ClinVar variation 2137409 (VCV002137409.3), dbSNP rs781981689, ClinGen allele CA6197542.

ClinVar aggregate classification (germline): Uncertain significance. Review status: criteria provided, multiple submitters, no conflicts (2 of 4 stars). 2 submissions from 2 submitters: Uncertain significance (2). Last evaluated 2023-04-05.

Conditions:
Inborn genetic diseases. Identifiers: MedGen C0950123, MeSH D030342.

Allele frequency attached by ClinVar (database versions not stated): TOPMed below 0.00001; gnomAD 0.00001; ExAC 0.00002.
gnomAD v4.1: 31 of 1,613,632 alleles (0.0019%); highest among the groups gnomAD compares: South Asian, 0.023%; 1 homozygote.

Submissions (2):

Ambry Genetics
Classification: Uncertain significance for Inborn genetic diseases. Last evaluated: 2023-04-05. Review status: criteria provided, single submitter. Criteria: Ambry Variant Classification Scheme 2023. Collection method: clinical testing. Allele origin: germline.

Labcorp Genetics (formerly Invitae), Labcorp
Classification: Uncertain significance. Last evaluated: 2022-10-13. Review status: criteria provided, single submitter. Criteria: Invitae Variant Classification Sherloc (09022015). Collection method: clinical testing. Allele origin: germline.
Comment: This sequence change replaces histidine, which is basic and polar, with arginine, which is basic and polar, at codon 545 of the MYO7A protein (p.His545Arg). This variant is present in population databases (rs781981689, gnomAD 0.03%). This variant has not been reported in the literature in individuals affected with MYO7A-related conditions. Advanced modeling of protein sequence and biophysical properties (such as structural, functional, and spatial information, amino acid conservation, physicochemical variation, residue mobility, and thermodynamic stability) performed at Invitae indicates that this missense variant is not expected to disrupt MYO7A protein function. In summary, the available evidence is currently insufficient to determine the role of this variant in disease. Therefore, it has been classified as a Variant of Uncertain Significance.